The following is an entry in ClinVar:

NM_001080449.3(DNA2):c.823A>G (p.Lys275Glu)

Gene: DNA2 (DNA replication helicase/nuclease 2; minus strand). Cytogenetic location: 10q21.3.
Variant type: single nucleotide variant.
Coding change: c.823A>G on transcript NM_001080449.3 (MANE Select); coding-DNA position 823, A replaced by G.
Protein change: p.Lys275Glu; replaces lysine 275 with glutamic acid.
Molecular consequence: missense variant. On other transcripts: non-coding transcript variant (1).
Genome position (GRCh38, 1-based): chr10:68,450,144, T>C on the plus strand (A>G on the coding strand, the complement: DNA2 is on the minus strand). VCF-style: chr10-68450144-T-C. GRCh37 (hg19) VCF-style: chr10-70209901-T-C.
Other names: c.823A>G (NM_001080449.2); short protein forms K275E.
Identifiers: ClinVar variation 3682366 (VCV003682366.3).

ClinVar aggregate classification (germline): Uncertain significance. Review status: criteria provided, multiple submitters, no conflicts (2 of 4 stars). 2 submissions from 2 submitters: Uncertain significance (2). Last evaluated 2026-05-13.

Conditions:
Inborn genetic diseases. Identifiers: MedGen C0950123, MeSH D030342.

gnomAD v4.1: 3 of 1,608,354 alleles (0.00019%); highest among the groups gnomAD compares: Non-Finnish European, 0.00025%; no homozygotes.

Submissions (2):

Ambry Genetics
Classification: Uncertain significance for Inborn genetic diseases. Last evaluated: 2026-05-13. Review status: criteria provided, single submitter. Criteria: Ambry Variant Classification Scheme 2023. Collection method: clinical testing. Allele origin: germline.

Labcorp Genetics (formerly Invitae), Labcorp
Classification: Uncertain significance. Last evaluated: 2024-12-15. Review status: criteria provided, single submitter. Criteria: Invitae Variant Classification Sherloc (09022015). Collection method: clinical testing. Allele origin: germline.
Comment: This sequence change replaces lysine, which is basic and polar, with glutamic acid, which is acidic and polar, at codon 275 of the DNA2 protein (p.Lys275Glu). The frequency data for this variant in the population databases is considered unreliable, as metrics indicate poor data quality at this position in the gnomAD database. This variant has not been reported in the literature in individuals affected with DNA2-related conditions. Invitae Evidence Modeling of protein sequence and biophysical properties (such as structural, functional, and spatial information, amino acid conservation, physicochemical variation, residue mobility, and thermodynamic stability) indicates that this missense variant is expected to disrupt DNA2 protein function with a positive predictive value of 80%. In summary, the available evidence is currently insufficient to determine the role of this variant in disease. Therefore, it has been classified as a Variant of Uncertain Significance.